The following is an entry in ClinVar:

NM_015178.3(RHOBTB2):c.1422G>C (p.Met474Ile)

Gene: RHOBTB2 (Rho related BTB domain containing 2; plus strand). Cytogenetic location: 8p21.3.
Variant type: single nucleotide variant.
Coding change: c.1422G>C on transcript NM_015178.3 (MANE Select); coding-DNA position 1422, G replaced by C.
Protein change: p.Met474Ile; replaces methionine 474 with isoleucine.
Molecular consequence: missense variant.
Genome position (GRCh38, 1-based): chr8:23,007,667, G>C. VCF-style: chr8-23007667-G-C. GRCh37 (hg19) VCF-style: chr8-22865180-G-C.
Other names: c.1488G>C, p.Met496Ile (NM_001160036.2); c.1443G>C, p.Met481Ile (NM_001160037.2); c.1422G>C, p.Met474Ile (NM_001374791.1); short protein forms M474I, M481I, M496I.
Identifiers: ClinVar variation 5042034 (VCV005042034.1).
Genomic context (GRCh38, chr8:23,007,667, plus strand): 5'-GCTCGAGGTCTTTGATCTGCGCATGATGGTGGCCAACATTCTCAACAATGAGGCCTTCAT[G>C]AACCAGGAGATCACCAAGGCCTTCCACGTCCGCCGGACCAACCGGGTTAAGGAGTGCTTG-3'
Protein context (NP_055993.2, residues 464-484): VANILNNEAF[Met474Ile]NQEITKAFHV

ClinVar aggregate classification (germline): Uncertain significance (1 of 4 stars; one submission).

Conditions:
Developmental and epileptic encephalopathy, 64. Also called: EPILEPTIC ENCEPHALOPATHY, EARLY INFANTILE, 64. Identifiers: MedGen C4693899, MONDO:0033373, OMIM 618004.

Submission:

Clinical Genetics Laboratory, University Hospital Schleswig-Holstein
Classification: Uncertain significance for Developmental and epileptic encephalopathy, 64. Last evaluated: 2025-02-11. Review status: criteria provided, single submitter. Criteria: ACMG Guidelines, 2015. Collection method: clinical testing. Allele origin: germline. Affected: yes. Observed: 1 heterozygote.
Comment: ACMG criteria applied: PM2, PP3, PM1